The following is an entry in ClinVar:

NM_003970.4(MYOM2):c.241G>A (p.Glu81Lys)

Gene: MYOM2 (myomesin 2; plus strand). Cytogenetic location: 8p23.3.
Variant type: single nucleotide variant.
Coding change: c.241G>A on transcript NM_003970.4 (MANE Select); coding-DNA position 241, G replaced by A.
Protein change: p.Glu81Lys; replaces glutamic acid 81 with lysine.
Molecular consequence: missense variant.
Genome position (GRCh38, 1-based): chr8:2,052,291, G>A. VCF-style: chr8-2052291-G-A. GRCh37 (hg19) VCF-style: chr8-2000409-G-A.
Other names: short protein forms E81K.
Identifiers: ClinVar variation 3056560 (VCV003056560.2), dbSNP rs35985218, ClinGen allele CA170440000.

ClinVar aggregate classification (germline): Benign (0 of 4 stars; one submission).

Conditions:
MYOM2-related disorder. Also called: MYOM2-related condition.

Allele frequency attached by ClinVar (database versions not stated): 1000 Genomes Project 30x 0.00968; 1000 Genomes Project 0.01038; gnomAD 0.01189; ESP Exome Variant Server 0.01261.
gnomAD v4.1: 23,722 of 1,605,502 alleles (1.5%); highest among the groups gnomAD compares: South Asian, 3.3%; 248 homozygotes.

Submission:

PreventionGenetics, part of Exact Sciences
Classification: Benign for MYOM2-related condition. Last evaluated: 2019-03-07. Review status: no assertion criteria provided. Collection method: clinical testing. Allele origin: germline.
Comment: This variant is classified as benign based on ACMG/AMP sequence variant interpretation guidelines (Richards et al. 2015 PMID: 25741868, with internal and published modifications).